The following is an entry in ClinVar:

ClinVar aggregate classification (germline): Uncertain significance (1 of 4 stars; one submission).

Allele frequency attached by ClinVar (database versions not stated): gnomAD exomes 0.00002.
gnomAD v4.1: 25 of 1,614,166 alleles (0.0015%); highest among the groups gnomAD compares: Non-Finnish European, 0.0021%; no homozygotes.

Submission:

Ambry Genetics
Classification: Uncertain significance. Last evaluated: 2024-09-30. Review status: criteria provided, single submitter. Criteria: Ambry Variant Classification Scheme 2023. Collection method: clinical testing. Allele origin: germline.
Comment: The p.G2129V variant (also known as c.6386G>T), located in coding exon 12 of the ALPK2 gene, results from a G to T substitution at nucleotide position 6386. The glycine at codon 2129 is replaced by valine, an amino acid with dissimilar properties. This amino acid position is conserved. In addition, the in silico prediction for this alteration is inconclusive. Since supporting evidence is limited at this time, the clinical significance of this alteration remains unclear.

NM_052947.4(ALPK2):c.6386G>T (p.Gly2129Val)

Gene: ALPK2 (alpha kinase 2; minus strand). Cytogenetic location: 18q21.31.
Variant type: single nucleotide variant.
Coding change: c.6386G>T on transcript NM_052947.4 (MANE Select); coding-DNA position 6386, G replaced by T.
Protein change: p.Gly2129Val; replaces glycine 2129 with valine.
Molecular consequence: missense variant.
Genome position (GRCh38, 1-based): chr18:58,481,950, C>A on the plus strand (G>T on the coding strand, the complement: ALPK2 is on the minus strand). VCF-style: chr18-58481950-C-A. GRCh37 (hg19) VCF-style: chr18-56149182-C-A.
Other names: short protein forms G2129V.
Identifiers: ClinVar variation 1753194 (VCV001753194.3), dbSNP rs753325716, ClinGen allele CA300884669.